The following is an entry in ClinVar:

ClinVar aggregate classification (germline): Likely pathogenic (1 of 4 stars; one submission).

Conditions:
Autosomal recessive nonsyndromic hearing loss 22. Identifiers: Orphanet 90636, MedGen C1846896, MONDO:0011762, OMIM 607039.

Submission:

Juno Genomics, Hangzhou Juno Genomics, Inc
Classification: Likely pathogenic for Autosomal recessive nonsyndromic hearing loss 22. Review status: criteria provided, single submitter. Criteria: ACMG Guidelines, 2015. Collection method: clinical testing. Allele origin: germline.
Comment: Null variant in a gene where loss of function (LOF) is a known mechanism of disease.;Absent from controls (or at extremely low frequency if recessive) in Genome Aggregation Database.

NM_144672.4(OTOA):c.1568T>G (p.Leu523Ter)

Gene: OTOA (otoancorin). Cytogenetic location: 16p12.2.
Variant type: single nucleotide variant.
Coding change: c.1568T>G on transcript NM_144672.4 (MANE Select); coding-DNA position 1568, T replaced by G.
Protein change: p.Leu523Ter; replaces leucine 523 with a stop codon.
Molecular consequence: nonsense.
Genome position (GRCh38, 1-based): chr16:21,716,986, T>G. VCF-style: chr16-21716986-T-G. GRCh37 (hg19) VCF-style: chr16-21728307-T-G.
Other names: c.1331T>G, p.Leu444Ter (NM_001161683.2); c.596T>G, p.Leu199Ter (NM_170664.3); short protein forms L523*, L199*, L444*.
Identifiers: ClinVar variation 5005544 (VCV005005544.2).